The following is an entry in ClinVar:

NM_000059.4(BRCA2):c.6664dup (p.Tyr2222fs)

Gene: BRCA2 (BRCA2 DNA repair associated; plus strand). Cytogenetic location: 13q13.1.
Variant type: Duplication.
Coding change: c.6664dup on transcript NM_000059.4 (MANE Select); coding-DNA position 6664, one base duplicated (T; older notation c.6664dupT).
Protein change: p.Tyr2222fs; shifts the reading frame from tyrosine 2222.
Molecular consequence: frameshift variant.
Genome position (GRCh38, 1-based): chr13:32,341,019, T duplicated. VCF-style (leftmost placement, unchanged base first): chr13-32341018-C-CT. GRCh37 (hg19) VCF-style: chr13-32915155-C-CT.
Other names: short protein forms Y2222fs.
Identifiers: ClinVar variation 921650 (VCV000921650.3), dbSNP rs2072562018, ClinGen allele CA913188575.

ClinVar aggregate classification (germline): Pathogenic (1 of 4 stars; one submission).

Conditions:
Hereditary cancer-predisposing syndrome. Also called: Neoplastic Syndromes, Hereditary; Tumor predisposition; Hereditary Cancer Syndrome; Hereditary neoplastic syndrome. Identifiers: Orphanet 140162, MedGen C0027672, MeSH D009386, MONDO:0015356.

Submission:

Color Diagnostics, LLC DBA Color Health
Classification: Pathogenic for Hereditary cancer-predisposing syndrome. Last evaluated: 2020-01-15. Review status: criteria provided, single submitter. Criteria: ACMG Guidelines, 2015. Collection method: clinical testing. Allele origin: germline.
Comment: This variant inserts 1 nucleotide in exon 11 of the BRCA2 gene, creating a frameshift and premature translation stop signal. This variant is expected to result in an absent or non-functional protein product. This variant has not been identified in the general population by the Genome Aggregation Database (gnomAD). Loss of BRCA2 function is a known mechanism of disease. Based on the available evidence, this variant is classified as Pathogenic.